The following is an entry in ClinVar:

NM_001199138.2(NLRC4):c.2616C>A (p.Ile872=)

Gene: NLRC4 (NLR family CARD domain containing 4; minus strand). Cytogenetic location: 2p22.3.
Variant type: single nucleotide variant.
Coding change: c.2616C>A on transcript NM_001199138.2 (MANE Select); coding-DNA position 2616, C replaced by A.
Protein change: p.Ile872=; no amino-acid change (isoleucine 872 retained).
Molecular consequence: synonymous variant.
Genome position (GRCh38, 1-based): chr2:32,235,567, G>T on the plus strand (C>A on the coding strand, the complement: NLRC4 is on the minus strand). VCF-style: chr2-32235567-G-T. GRCh37 (hg19) VCF-style: chr2-32460636-G-T.
Other names: c.2616C>A, p.Ile872= (NM_021209.5, NM_001199139.2); c.621C>A, p.Ile207= (NM_001302504.2).
Identifiers: ClinVar variation 2941439 (VCV002941439.3), dbSNP rs1175991794, ClinGen allele CA425463792.

ClinVar aggregate classification (germline): Uncertain significance (1 of 4 stars; one submission).

Conditions:
Periodic fever-infantile enterocolitis-autoinflammatory syndrome. Also called: Autoinflammation with infantile enterocolitis. Identifiers: Orphanet 436166, MedGen C4015067, MONDO:0014472, OMIM 616050.
Familial cold autoinflammatory syndrome 4 (FCAS4). Identifiers: Orphanet 47045, Orphanet 576349, MedGen C4015276, MONDO:0014498, OMIM 616115.

Submission:

Labcorp Genetics (formerly Invitae), Labcorp
Classification: Uncertain significance for Periodic fever-infantile enterocolitis-autoinflammatory syndrome; Familial cold autoinflammatory syndrome 4. Last evaluated: 2022-11-15. Review status: criteria provided, single submitter. Criteria: Invitae Variant Classification Sherloc (09022015). Collection method: clinical testing. Allele origin: germline.
Comment: In summary, the available evidence is currently insufficient to determine the role of this variant in disease. Therefore, it has been classified as a Variant of Uncertain Significance. Algorithms developed to predict the effect of sequence changes on RNA splicing suggest that this variant may disrupt the consensus splice site. This variant has not been reported in the literature in individuals affected with NLRC4-related conditions. This variant is not present in population databases (gnomAD no frequency). This sequence change affects codon 872 of the NLRC4 mRNA. It is a 'silent' change, meaning that it does not change the encoded amino acid sequence of the NLRC4 protein.